The following is an entry in ClinVar:

NM_001165963.4(SCN1A):c.810G>A (p.Met270Ile)

Gene: SCN1A (sodium voltage-gated channel alpha subunit 1; minus strand). Cytogenetic location: 2q24.3.
Variant type: single nucleotide variant.
Coding change: c.810G>A on transcript NM_001165963.4 (MANE Select); coding-DNA position 810, G replaced by A.
Protein change: p.Met270Ile; replaces methionine 270 with isoleucine.
Molecular consequence: missense variant. On other transcripts: 5 prime UTR variant (1), non-coding transcript variant (1).
Genome position (GRCh38, 1-based): chr2:166,051,873, C>T on the plus strand (G>A on the coding strand, the complement: SCN1A is on the minus strand). VCF-style: chr2-166051873-C-T. GRCh37 (hg19) VCF-style: chr2-166908383-C-T.
Other names: c.810G>A, p.Met270Ile (NM_001165964.3, NM_001202435.3, NM_001353948.2 and 10 more transcripts); c.-1616G>A (NM_001353961.2); short protein forms M270I.
Identifiers: ClinVar variation 1191528 (VCV001191528.13), dbSNP rs2105889888, ClinGen allele CA349073237.
Genomic context (GRCh38, chr2:166,051,873, plus strand): 5'-ATGTTCCTCCAAGGAAGCATTGGTGGGAGGCCATTGTATACATTTATTCCTCAGGTTGCC[C>T]ATGAACAGCTGCAGCCCAATTAGAGCAAATACGCTCAGACAGAACACAGTCAGGATCATT-3'
Protein context (NP_001159435.1, residues 260-280): VFALIGLQLF[Met270Ile]GNLRNKCIQW

ClinVar aggregate classification (germline): Conflicting classifications of pathogenicity. Review status: criteria provided, conflicting classifications (1 of 4 stars). 2 submissions from 2 submitters: Likely pathogenic (1); Uncertain significance (1). Last evaluated 2026-08-11.

Conditions:
Early-infantile DEE. Also called: Early infantile epileptic encephalopathy with suppression bursts; Early infantile epileptic encephalopathy; Ohtahara syndrome. Identifiers: Orphanet 1934, MedGen C0393706, MONDO:0800491.

Allele frequency attached by ClinVar (database versions not stated): gnomAD exomes below 0.00001.

Submissions (2):

GeneDx
Classification: Likely pathogenic. Last evaluated: 2026-08-11. Review status: criteria provided, single submitter. Criteria: GeneDx Variant Classification Process June 2021. Collection method: clinical testing. Allele origin: germline.
Comment: Not observed at significant frequency in large population cohorts (gnomAD); In silico analysis supports that this missense variant has a deleterious effect on protein structure/function; This substitution is predicted to be within the extracellular loop between the S5 and S6 transmembrane segments of the first homologous domain; Has not been previously published as pathogenic or benign to our knowledge

Labcorp Genetics (formerly Invitae), Labcorp
Classification: Uncertain significance for Early-infantile DEE. Last evaluated: 2025-09-23. Review status: criteria provided, single submitter. Criteria: Invitae Variant Classification Sherloc (09022015). Collection method: clinical testing. Allele origin: germline.
Comment: This sequence change replaces methionine, which is neutral and non-polar, with isoleucine, which is neutral and non-polar, at codon 270 of the SCN1A protein (p.Met270Ile). This variant is not present in population databases (gnomAD no frequency). This variant has not been reported in the literature in individuals affected with SCN1A-related conditions. ClinVar contains an entry for this variant (Variation ID: 1191528). Invitae Evidence Modeling of protein sequence and biophysical properties (such as structural, functional, and spatial information, amino acid conservation, physicochemical variation, residue mobility, and thermodynamic stability) indicates that this missense variant is expected to disrupt SCN1A protein function with a positive predictive value of 95%. In summary, the available evidence is currently insufficient to determine the role of this variant in disease. Therefore, it has been classified as a Variant of Uncertain Significance.